The following is an entry in ClinVar:

ClinVar aggregate classification (germline): Uncertain significance (1 of 4 stars; one submission).

Allele frequency attached by ClinVar (database versions not stated): TOPMed 0.00001.

Submission:

Labcorp Genetics (formerly Invitae), Labcorp
Classification: Uncertain significance. Last evaluated: 2023-02-22. Review status: criteria provided, single submitter. Criteria: Invitae Variant Classification Sherloc (09022015). Collection method: clinical testing. Allele origin: germline.
Comment: In summary, the available evidence is currently insufficient to determine the role of this variant in disease. Therefore, it has been classified as a Variant of Uncertain Significance. Algorithms developed to predict the effect of missense changes on protein structure and function output the following: SIFT: "Not Available"; PolyPhen-2: "Benign"; Align-GVGD: "Not Available". The glycine amino acid residue is found in multiple mammalian species, which suggests that this missense change does not adversely affect protein function. This variant has not been reported in the literature in individuals affected with MYLK3-related conditions. This variant is not present in population databases (gnomAD no frequency). This sequence change replaces aspartic acid, which is acidic and polar, with glycine, which is neutral and non-polar, at codon 183 of the MYLK3 protein (p.Asp183Gly).

NM_182493.3(MYLK3):c.548A>G (p.Asp183Gly)

Gene: MYLK3 (myosin light chain kinase 3; minus strand). Cytogenetic location: 16q11.2.
Variant type: single nucleotide variant.
Coding change: c.548A>G on transcript NM_182493.3 (MANE Select); coding-DNA position 548, A replaced by G.
Protein change: p.Asp183Gly; replaces aspartic acid 183 with glycine.
Molecular consequence: missense variant. On other transcripts: 5 prime UTR variant (1).
Genome position (GRCh38, 1-based): chr16:46,740,077, T>C on the plus strand (A>G on the coding strand, the complement: MYLK3 is on the minus strand). VCF-style: chr16-46740077-T-C. GRCh37 (hg19) VCF-style: chr16-46773989-T-C.
Other names: c.-43A>G (NM_001308301.1); short protein forms D183G.
Identifiers: ClinVar variation 2110998 (VCV002110998.4), dbSNP rs1206851201, ClinGen allele CA395795876.